The following is an entry in ClinVar:

NM_004415.4(DSP):c.4026G>A (p.Trp1342Ter)

Gene: DSP (desmoplakin; plus strand). Cytogenetic location: 6p24.3.
Variant type: single nucleotide variant.
Coding change: c.4026G>A on transcript NM_004415.4 (MANE Select); coding-DNA position 4026, G replaced by A.
Protein change: p.Trp1342Ter; replaces tryptophan 1342 with a stop codon.
Molecular consequence: nonsense. On other transcripts: intron variant (1).
Genome position (GRCh38, 1-based): chr6:7,580,216, G>A. VCF-style: chr6-7580216-G-A. GRCh37 (hg19) VCF-style: chr6-7580449-G-A.
Other names: c.4026G>A (LRG_423t1); c.4026G>A, p.Trp1342Ter (NM_001319034.2); c.3582+444G>A (NM_001008844.3); short protein forms W1342*.
Identifiers: ClinVar variation 620319 (VCV000620319.1), dbSNP rs1561698345, ClinGen allele CA362685379.

ClinVar aggregate classification (germline): Likely pathogenic (1 of 4 stars; one submission).

Submission:

GeneDx
Classification: Likely pathogenic. Last evaluated: 2018-08-03. Review status: criteria provided, single submitter. Criteria: GeneDx Variant Classification (06012015). Collection method: clinical testing. Allele origin: germline. Affected: yes.
Comment: The W1342X variant in the DSP gene has not been published as pathogenic or reported as benign to our knowledge. W1342X is predicted to cause loss of normal protein function either by protein truncation or nonsense-mediated mRNA decay. Other nonsense variants in the DSP gene have been reported in Human Gene Mutation Database in association with ARVC and other DSP-related conditions (Stenson et al., 2014). Furthermore, the W1342X variant is not observed in large population cohorts (Lek et al., 2016).